The following is an entry in ClinVar:

ClinVar aggregate classification (germline): Likely benign (1 of 4 stars; one submission).

Submission:

Mayo Clinic Laboratories, Mayo Clinic
Classification: Likely benign. Last evaluated: 2025-10-28. Review status: criteria provided, single submitter. Criteria: ACMG Guidelines, 2015. Collection method: clinical testing. Allele origin: germline. Observed: 1 variant allele.
Comment: BP4, BP7, PM2_supporting

NM_001142864.4(PIEZO1):c.1980T>G (p.Thr660=)

Genes: HSALR1 (HSP90AB1 associated lncRNA 1; plus strand), PIEZO1 (piezo type mechanosensitive ion channel component 1 (Er blood group); minus strand). Cytogenetic location: 16q24.3.
Variant type: single nucleotide variant.
Coding change: c.1980T>G on transcript NM_001142864.4 (MANE Select); coding-DNA position 1980, T replaced by G.
Protein change: p.Thr660=; no amino-acid change (threonine 660 retained).
Molecular consequence: synonymous variant.
Genome position (GRCh38, 1-based): chr16:88,734,667, A>C on the plus strand (T>G on the coding strand, the complement: PIEZO1 is on the minus strand). VCF-style: chr16-88734667-A-C. GRCh37 (hg19) VCF-style: chr16-88801075-A-C.
Other names: p.Thr660=.
Identifiers: ClinVar variation 4684149 (VCV004684149.1).